The following is an entry in ClinVar:

ClinVar aggregate classification (germline): Uncertain significance (1 of 4 stars; one submission).

Conditions:
Baraitser-Winter syndrome 1 (BRWS1). Also called: BARAITSER-WINTER SYNDROME 1, ATYPICAL; MENTAL RETARDATION WITH EPILEPSY AND CHARACTERISTIC FACIES; PACHYGYRIA, MENTAL RETARDATION, EPILEPSY, AND CHARACTERISTIC FACIES; Cerebrofrontofacial syndrome. Identifiers: Orphanet 2649, Orphanet 2995, MedGen C1855722, MONDO:0009470, OMIM 243310.

Submission:

Labcorp Genetics (formerly Invitae), Labcorp
Classification: Uncertain significance for Baraitser-Winter syndrome 1. Last evaluated: 2025-01-18. Review status: criteria provided, single submitter. Criteria: Invitae Variant Classification Sherloc (09022015). Collection method: clinical testing. Allele origin: germline.
Comment: This sequence change replaces proline, which is neutral and non-polar, with serine, which is neutral and polar, at codon 307 of the ACTB protein (p.Pro307Ser). This variant is not present in population databases (gnomAD no frequency). This variant has not been reported in the literature in individuals affected with ACTB-related conditions. Invitae Evidence Modeling of protein sequence and biophysical properties (such as structural, functional, and spatial information, amino acid conservation, physicochemical variation, residue mobility, and thermodynamic stability) indicates that this missense variant is not expected to disrupt ACTB protein function with a negative predictive value of 80%. In summary, the available evidence is currently insufficient to determine the role of this variant in disease. Therefore, it has been classified as a Variant of Uncertain Significance.

NM_001101.5(ACTB):c.919C>T (p.Pro307Ser)

Gene: ACTB (actin beta; minus strand). Cytogenetic location: 7p22.1.
Variant type: single nucleotide variant.
Coding change: c.919C>T on transcript NM_001101.5 (MANE Select); coding-DNA position 919, C replaced by T.
Protein change: p.Pro307Ser; replaces proline 307 with serine.
Molecular consequence: missense variant.
Genome position (GRCh38, 1-based): chr7:5,528,069, G>A on the plus strand (C>T on the coding strand, the complement: ACTB is on the minus strand). VCF-style: chr7-5528069-G-A. GRCh37 (hg19) VCF-style: chr7-5567700-G-A.
Other names: short protein forms P307S.
Identifiers: ClinVar variation 3671734 (VCV003671734.2).